The following is an entry in ClinVar:

NM_199355.4(ADAMTS18):c.49G>A (p.Gly17Ser)

Gene: ADAMTS18 (ADAM metallopeptidase with thrombospondin type 1 motif 18; minus strand). Cytogenetic location: 16q23.1.
Variant type: single nucleotide variant.
Coding change: c.49G>A on transcript NM_199355.4 (MANE Select); coding-DNA position 49, G replaced by A.
Protein change: p.Gly17Ser; replaces glycine 17 with serine.
Molecular consequence: missense variant. On other transcripts: 5 prime UTR variant (1).
Genome position (GRCh38, 1-based): chr16:77,434,647, C>T on the plus strand (G>A on the coding strand, the complement: ADAMTS18 is on the minus strand). VCF-style: chr16-77434647-C-T. GRCh37 (hg19) VCF-style: chr16-77468544-C-T.
Other names: c.-472G>A (NM_001326358.2); short protein forms G17S.
Identifiers: ClinVar variation 1515721 (VCV001515721.7), dbSNP rs2057775468, ClinGen allele CA396851934.

ClinVar aggregate classification (germline): Uncertain significance (1 of 4 stars; one submission).

Submission:

Labcorp Genetics (formerly Invitae), Labcorp
Classification: Uncertain significance. Last evaluated: 2024-10-23. Review status: criteria provided, single submitter. Criteria: Invitae Variant Classification Sherloc (09022015). Collection method: clinical testing. Allele origin: germline.
Comment: This sequence change replaces glycine, which is neutral and non-polar, with serine, which is neutral and polar, at codon 17 of the ADAMTS18 protein (p.Gly17Ser). This variant is not present in population databases (gnomAD no frequency). This variant has not been reported in the literature in individuals affected with ADAMTS18-related conditions. ClinVar contains an entry for this variant (Variation ID: 1515721). An algorithm developed to predict the effect of missense changes on protein structure and function (PolyPhen-2) suggests that this variant¬†is likely to be tolerated. In summary, the available evidence is currently insufficient to determine the role of this variant in disease. Therefore, it has been classified as a Variant of Uncertain Significance.